The following is an entry in ClinVar:

NM_013275.6(ANKRD11):c.5540C>T (p.Ser1847Leu)

Gene: ANKRD11 (ankyrin repeat domain 11; minus strand). Cytogenetic location: 16q24.3.
Variant type: single nucleotide variant.
Coding change: c.5540C>T on transcript NM_013275.6 (MANE Select); coding-DNA position 5540, C replaced by T.
Protein change: p.Ser1847Leu; replaces serine 1847 with leucine.
Molecular consequence: missense variant.
Genome position (GRCh38, 1-based): chr16:89,281,002, G>A on the plus strand (C>T on the coding strand, the complement: ANKRD11 is on the minus strand). VCF-style: chr16-89281002-G-A. GRCh37 (hg19) VCF-style: chr16-89347410-G-A.
Other names: c.5540C>T, p.Ser1847Leu (NM_001256182.2, NM_001256183.2); c.5540C>T (NM_013275.4); short protein forms S1847L.
Identifiers: ClinVar variation 1805146 (VCV001805146.7), dbSNP rs1294353692, ClinGen allele CA397153782.

ClinVar aggregate classification (germline): Uncertain significance. Review status: criteria provided, multiple submitters, no conflicts (2 of 4 stars). 4 submissions from 4 submitters: Uncertain significance (4). Last evaluated 2025-02-06.

Conditions:
KBG syndrome (KBGS). Also called: ANKRD11-Related KBG Syndrome. Identifiers: Orphanet 2332, MedGen C0220687, MONDO:0007846, OMIM 148050.
Inborn genetic diseases. Identifiers: MedGen C0950123, MeSH D030342.

Allele frequency attached by ClinVar (database versions not stated): gnomAD 0.00001; gnomAD exomes 0.00002; TOPMed 0.00002.
gnomAD v4.1: 33 of 1,581,746 alleles (0.0021%); highest among the groups gnomAD compares: Admixed American, 0.011%; no homozygotes.

Submissions (4):

Labcorp Genetics (formerly Invitae), Labcorp
Classification: Uncertain significance for KBG syndrome. Last evaluated: 2025-02-06. Review status: criteria provided, single submitter. Criteria: Invitae Variant Classification Sherloc (09022015). Collection method: clinical testing. Allele origin: germline.
Comment: This sequence change replaces serine, which is neutral and polar, with leucine, which is neutral and non-polar, at codon 1847 of the ANKRD11 protein (p.Ser1847Leu). This variant is present in population databases (no rsID available, gnomAD 0.01%). This variant has not been reported in the literature in individuals affected with ANKRD11-related conditions. ClinVar contains an entry for this variant (Variation ID: 1805146). Invitae Evidence Modeling of protein sequence and biophysical properties (such as structural, functional, and spatial information, amino acid conservation, physicochemical variation, residue mobility, and thermodynamic stability) indicates that this missense variant is not expected to disrupt ANKRD11 protein function with a negative predictive value of 95%. In summary, the available evidence is currently insufficient to determine the role of this variant in disease. Therefore, it has been classified as a Variant of Uncertain Significance.

Ambry Genetics
Classification: Uncertain significance for Inborn genetic diseases. Last evaluated: 2024-11-25. Review status: criteria provided, single submitter. Criteria: Ambry Variant Classification Scheme 2023. Collection method: clinical testing. Allele origin: germline.

Women's Health and Genetics/Laboratory Corporation of America, LabCorp
Classification: Uncertain significance. Last evaluated: 2024-03-29. Review status: criteria provided, single submitter. Criteria: LabCorp Variant Classification Summary - May 2015. Collection method: clinical testing. Allele origin: germline.
Comment: Variant summary: ANKRD11 c.5540C>T (p.Ser1847Leu) results in a non-conservative amino acid change in the encoded protein sequence. Four of five in-silico tools predict a damaging effect of the variant on protein function. The variant allele was found at a frequency of 1.8e-05 in 228018 control chromosomes. The available data on variant occurrences in the general population are insufficient to allow any conclusion about variant significance. To our knowledge, no occurrence of c.5540C>T in individuals affected with KBG Syndrome and no experimental evidence demonstrating its impact on protein function have been reported. ClinVar contains an entry for this variant (Variation ID: 1805146). Based on the evidence outlined above, the variant was classified as uncertain significance.

Victorian Clinical Genetics Services, Murdoch Childrens Research Institute
Classification: Uncertain significance for KBG syndrome. Last evaluated: 2020-06-11. Review status: criteria provided, single submitter. Criteria: ACMG Guidelines, 2015. Collection method: clinical testing. Allele origin: germline. Inheritance: Autosomal dominant inheritance. Affected: yes.
Comment: Based on the classification scheme VCGS_Germline_v1.1.1, this variant is classified as 3C-VUS. Following criteria are met: 0102 - Loss-of-function is a known mechanism of disease for this gene. (N) 0107 - This gene is known to be associated with autosomal dominant disease. (N) 0200 - Variant is predicted to result in a missense amino acid change from serine to leucine (exon 9). (N) 0251 - Variant is heterozygous. (N) 0302 - Variant is present in gnomAD <0.001 for a dominant condition (4 heterozygotes, 0 homozygotes). (P) 0501 - Missense variant consistently predicted to be damaging by multiple in silico tools or highly conserved with a major amino acid change. (P) 0600 - Variant is located in an annotated domain or motif (Atrophin 1 family domain; NCBI). (N) 0705 - No comparable variants have previous evidence for pathogenicity. (N) 0807 - Variant has not previously been reported in a clinical context. (N) 0905 - No segregation evidence has been identified for this variant. (N) 1007 - No published functional evidence has been identified for this variant. (N) Legend: (P) - Pathogenic, (N) - Neutral, (B) - Benign